The following is an entry in ClinVar:

ClinVar aggregate classification (germline): Uncertain significance. Review status: criteria provided, multiple submitters, no conflicts (2 of 4 stars). 2 submissions from 2 submitters: Uncertain significance (2). Last evaluated 2023-07-29.

Conditions:
Combined immunodeficiency due to LRBA deficiency. Also called: Common variable immunodeficiency 8, with autoimmunity. Identifiers: Orphanet 445018, MedGen C3553512, MONDO:0013863, OMIM 614700.

Allele frequency attached by ClinVar (database versions not stated): TOPMed below 0.00001; gnomAD 0.00002; gnomAD exomes 0.00004 and 0.00006; ExAC 0.00006; 1000 Genomes Project 30x 0.00016; 1000 Genomes Project 0.00020.
gnomAD v4.1: 88 of 1,613,264 alleles (0.0055%); highest among the groups gnomAD compares: East Asian, 0.19%; no homozygotes.

Submissions (2):

Labcorp Genetics (formerly Invitae), Labcorp
Classification: Uncertain significance for Combined immunodeficiency due to LRBA deficiency. Last evaluated: 2023-07-29. Review status: criteria provided, single submitter. Criteria: Invitae Variant Classification Sherloc (09022015). Collection method: clinical testing. Allele origin: germline.
Comment: In summary, the available evidence is currently insufficient to determine the role of this variant in disease. Therefore, it has been classified as a Variant of Uncertain Significance. Advanced modeling of protein sequence and biophysical properties (such as structural, functional, and spatial information, amino acid conservation, physicochemical variation, residue mobility, and thermodynamic stability) performed at Invitae indicates that this missense variant is not expected to disrupt LRBA protein function. ClinVar contains an entry for this variant (Variation ID: 999270). This variant has not been reported in the literature in individuals affected with LRBA-related conditions. This variant is present in population databases (rs202243949, gnomAD 0.05%). This sequence change replaces valine, which is neutral and non-polar, with isoleucine, which is neutral and non-polar, at codon 2404 of the LRBA protein (p.Val2404Ile).

Genetic Services Laboratory, University of Chicago
Classification: Uncertain significance. Last evaluated: 2019-09-09. Review status: criteria provided, single submitter. Criteria: ACMG Guidelines, 2015. Collection method: clinical testing. Allele origin: germline. Affected: no.

NM_001364905.1(LRBA):c.7177G>A (p.Val2393Ile)

Gene: LRBA (LPS responsive beige-like anchor protein; minus strand). Cytogenetic location: 4q31.3.
Variant type: single nucleotide variant.
Coding change: c.7177G>A on transcript NM_001364905.1 (MANE Select); coding-DNA position 7177, G replaced by A.
Protein change: p.Val2393Ile; replaces valine 2393 with isoleucine.
Molecular consequence: missense variant.
Genome position (GRCh38, 1-based): chr4:150,415,455, C>T on the plus strand (G>A on the coding strand, the complement: LRBA is on the minus strand). VCF-style: chr4-150415455-C-T. GRCh37 (hg19) VCF-style: chr4-151336607-C-T.
Other names: c.7177G>A, p.Val2393Ile (NM_001199282.3, NM_001367550.1); c.7210G>A, p.Val2404Ile (NM_006726.5); short protein forms V2393I, V2404I.
Identifiers: ClinVar variation 999270 (VCV000999270.11), dbSNP rs202243949, ClinGen allele CA3101721.